The following is an entry in ClinVar:

NM_020971.3(SPTBN4):c.3261A>G (p.Ala1087=)

Gene: SPTBN4 (spectrin beta, non-erythrocytic 4; plus strand). Cytogenetic location: 19q13.2.
Variant type: single nucleotide variant.
Coding change: c.3261A>G on transcript NM_020971.3 (MANE Select); coding-DNA position 3261, A replaced by G.
Protein change: p.Ala1087=; no amino-acid change (alanine 1087 retained).
Molecular consequence: synonymous variant.
Genome position (GRCh38, 1-based): chr19:40,519,758, A>G. VCF-style: chr19-40519758-A-G. GRCh37 (hg19) VCF-style: chr19-41025665-A-G.
Identifiers: ClinVar variation 2649891 (VCV002649891.22), dbSNP rs2515055232, ClinGen allele CA507682327.

ClinVar aggregate classification (germline): Likely benign (1 of 4 stars; one submission).

Submission:

CeGaT Center for Human Genetics Tuebingen
Classification: Likely benign. Last evaluated: 2023-03-01. Review status: criteria provided, single submitter. Criteria: CeGaT Center For Human Genetics Tuebingen Variant Classification Criteria Version 2. Collection method: clinical testing. Allele origin: germline. Affected: yes. Observed: 1 variant allele.
Comment: SPTBN4: PM2:Supporting, BP4, BP7